The following is an entry in ClinVar:

NM_015268.4(DNAJC13):c.2708G>A (p.Arg903Lys)

Gene: DNAJC13 (DnaJ heat shock protein family (Hsp40) member C13; plus strand). Cytogenetic location: 3q22.1.
Variant type: single nucleotide variant.
Coding change: c.2708G>A on transcript NM_015268.4 (MANE Select); coding-DNA position 2708, G replaced by A.
Protein change: p.Arg903Lys; replaces arginine 903 with lysine.
Molecular consequence: missense variant.
Genome position (GRCh38, 1-based): chr3:132,478,139, G>A. VCF-style: chr3-132478139-G-A. GRCh37 (hg19) VCF-style: chr3-132196983-G-A.
Other names: c.2723G>A, p.Arg908Lys (NM_001329126.2); c.2708G>A (NM_015268.3); short protein forms R903K, R908K.
Identifiers: ClinVar variation 2654154 (VCV002654154.25), dbSNP rs141952333, ClinGen allele CA2619048.
Genomic context (GRCh38, chr3:132,478,139, plus strand): 5'-GATGTCACGAAGAAATAGGACCTTTTACAGATACCAGATATATCATTGGAATGTTAGAGA[G>A]GGTAAGGATATCATTTAAGGAAATTACTATTTGATAGTGTCACTAGGGTATGTGTTAAAT-3'
Protein context (NP_056083.3, residues 893-913): DTRYIIGMLE[Arg903Lys]CTDKLERDRL

ClinVar aggregate classification (germline): Benign. Review status: criteria provided, single submitter (1 of 4 stars). 2 submissions from 2 submitters: Benign (1). 1 of the submissions does not count toward it. Last evaluated 2024-09-01.

Conditions:
DNAJC13-related disorder. Also called: DNAJC13-related condition.

Allele frequency attached by ClinVar (database versions not stated): 1000 Genomes Project 0.00140; ESP Exome Variant Server 0.00254; gnomAD exomes 0.00280; 1000 Genomes Project 30x 0.00156; ExAC 0.00204; gnomAD 0.00212; TOPMed 0.00249.
gnomAD v4.1: 4,363 of 1,598,814 alleles (0.27%); highest among the groups gnomAD compares: Non-Finnish European, 0.34%; 6 homozygotes.

Submissions (2):

CeGaT Center for Human Genetics Tuebingen
Classification: Benign. Last evaluated: 2024-09-01. Review status: criteria provided, single submitter. Criteria: CeGaT Center For Human Genetics Tuebingen Variant Classification Criteria Version 2. Collection method: clinical testing. Allele origin: germline. Affected: yes. Observed: 3 variant alleles.
Comment: DNAJC13: BS1, BS2

PreventionGenetics, part of Exact Sciences
Classification: Likely benign for DNAJC13-related condition. Last evaluated: 2023-05-25. Review status: no assertion criteria provided. Collection method: clinical testing. Allele origin: germline. Not counted in ClinVar's aggregate classification.
Comment: This variant is classified as likely benign based on ACMG/AMP sequence variant interpretation guidelines (Richards et al. 2015 PMID: 25741868, with internal and published modifications).